The following is an entry in ClinVar:

NM_001211.6(BUB1B):c.1109A>G (p.Lys370Arg)

Gene: BUB1B (BUB1 mitotic checkpoint serine/threonine kinase B; plus strand). Cytogenetic location: 15q15.1.
Variant type: single nucleotide variant.
Coding change: c.1109A>G on transcript NM_001211.6 (MANE Select); coding-DNA position 1109, A replaced by G.
Protein change: p.Lys370Arg; replaces lysine 370 with arginine.
Molecular consequence: missense variant.
Genome position (GRCh38, 1-based): chr15:40,196,595, A>G. VCF-style: chr15-40196595-A-G. GRCh37 (hg19) VCF-style: chr15-40488796-A-G.
Other names: short protein forms K370R.
Identifiers: ClinVar variation 4761751 (VCV004761751.1).

ClinVar aggregate classification (germline): Uncertain significance (1 of 4 stars; one submission).

Conditions:
Mosaic variegated aneuploidy syndrome 1 (MVA1). Also called: Warburton-Anyane-Yeboa syndrome. Identifiers: Orphanet 1052, MedGen C1850343, MONDO:0009759, OMIM 257300.

Submission:

Labcorp Genetics (formerly Invitae), Labcorp
Classification: Uncertain significance for Mosaic variegated aneuploidy syndrome 1. Last evaluated: 2026-01-04. Review status: criteria provided, single submitter. Criteria: Invitae Variant Classification Sherloc (09022015). Collection method: clinical testing. Allele origin: germline.
Comment: This sequence change replaces lysine, which is basic and polar, with arginine, which is basic and polar, at codon 370 of the BUB1B protein (p.Lys370Arg). This variant is not present in population databases (gnomAD no frequency). This variant has not been reported in the literature in individuals affected with BUB1B-related conditions. An algorithm developed to predict the effect of missense changes on protein structure and function (PolyPhen-2) suggests that this variant is likely to be disruptive. In summary, the available evidence is currently insufficient to determine the role of this variant in disease. Therefore, it has been classified as a Variant of Uncertain Significance.